The following is an entry in ClinVar:

ClinVar aggregate classification (germline): Benign (0 of 4 stars; one submission).

Conditions:
PXDNL-related disorder. Also called: PXDNL-related condition.

Allele frequency attached by ClinVar (database versions not stated): gnomAD exomes 0.26303; ExAC 0.27001; 1000 Genomes Project 0.32129; 1000 Genomes Project 30x 0.32917; gnomAD 0.34050; TOPMed 0.34965; ESP Exome Variant Server 0.35099.
gnomAD v4.1: 436,597 of 1,612,848 alleles (27%); highest among the groups gnomAD compares: African/African-American, 57%; 63,624 homozygotes.

Submission:

PreventionGenetics, part of Exact Sciences
Classification: Benign for PXDNL-related condition. Last evaluated: 2019-10-28. Review status: no assertion criteria provided. Collection method: clinical testing. Allele origin: germline.
Comment: This variant is classified as benign based on ACMG/AMP sequence variant interpretation guidelines (Richards et al. 2015 PMID: 25741868, with internal and published modifications).

NM_144651.5(PXDNL):c.4196G>A (p.Arg1399Lys)

Gene: PXDNL (peroxidasin like; minus strand). Cytogenetic location: 8q11.22.
Variant type: single nucleotide variant.
Coding change: c.4196G>A on transcript NM_144651.5 (MANE Select); coding-DNA position 4196, G replaced by A.
Protein change: p.Arg1399Lys; replaces arginine 1399 with lysine.
Molecular consequence: missense variant.
Genome position (GRCh38, 1-based): chr8:51,320,848, C>T on the plus strand (G>A on the coding strand, the complement: PXDNL is on the minus strand). VCF-style: chr8-51320848-C-T. GRCh37 (hg19) VCF-style: chr8-52233408-C-T.
Other names: short protein forms R1399K.
Identifiers: ClinVar variation 3060925 (VCV003060925.2), dbSNP rs7827446, ClinGen allele CA4744541.